The following is an entry in ClinVar:

NM_206933.4(USH2A):c.5545_5554del (p.Ser1849fs)

Genes: USH2A (usherin; minus strand), USH2A-AS2 (USH2A antisense RNA 2; plus strand). Cytogenetic location: 1q41.
Variant type: Deletion.
Coding change: c.5545_5554del on transcript NM_206933.4 (MANE Select); coding-DNA positions 5545 to 5554, 10 bases deleted (TCTTATCAAC; older notation c.5545_5554delTCTTATCAAC).
Protein change: p.Ser1849fs; shifts the reading frame from serine 1849.
Molecular consequence: frameshift variant.
Genome position (GRCh38, 1-based): chr1:216,078,107-216,078,116, GTTGATAAGA deleted on the plus strand (TCTTATCAAC on the coding strand, the reverse complement: USH2A is on the minus strand); deleting any 10 consecutive bases within chr1:216,078,107-216,078,119 gives the same sequence; the c. name uses the placement nearest the transcript's 3' end. VCF-style (leftmost placement, unchanged base first): chr1-216078106-TGTTGATAAGA-T. GRCh37 (hg19) VCF-style: chr1-216251448-TGTTGATAAGA-T.
Other names: short protein forms S1849fs.
Identifiers: ClinVar variation 488648 (VCV000488648.8), dbSNP rs1553299022, ClinGen allele CA658683171.

ClinVar aggregate classification (germline): Pathogenic/Likely pathogenic. Review status: criteria provided, multiple submitters, no conflicts (2 of 4 stars). 3 submissions from 3 submitters: Pathogenic (1); Likely pathogenic (2). Last evaluated 2024-11-04.

Conditions:
Usher syndrome type 2A. Also called: RETINAL DISEASE IN USHER SYNDROME TYPE IIA, MODIFIER OF; USHER SYNDROME, TYPE IIA. Identifiers: Orphanet 231178, Orphanet 886, MedGen C1848634, MONDO:0010169, OMIM 276901.

Submissions (3):

Labcorp Genetics (formerly Invitae), Labcorp
Classification: Pathogenic. Last evaluated: 2024-11-04. Review status: criteria provided, single submitter. Criteria: Invitae Variant Classification Sherloc (09022015). Collection method: clinical testing. Allele origin: germline.
Comment: This sequence change creates a premature translational stop signal (p.Ser1849Ilefs*12) in the USH2A gene. It is expected to result in an absent or disrupted protein product. Loss-of-function variants in USH2A are known to be pathogenic (PMID: 10729113, 10909849, 20507924, 25649381). This variant is not present in population databases (gnomAD no frequency). This variant has not been reported in the literature in individuals affected with USH2A-related conditions. ClinVar contains an entry for this variant (Variation ID: 488648). For these reasons, this variant has been classified as Pathogenic.

Genome-Nilou Lab
Classification: Likely pathogenic for Usher syndrome type 2A. Last evaluated: 2023-11-04. Review status: criteria provided, single submitter. Criteria: ACMG Guidelines, 2015. Collection method: clinical testing. Allele origin: germline. Affected: no.

GeneID Lab - Advanced Molecular Diagnostics
Classification: Likely pathogenic for Usher Syndrome type IIA. Last evaluated: 2017-09-07. Review status: criteria provided, single submitter. Criteria: ACMG Guidelines, 2015. Collection method: clinical testing. Allele origin: germline. Affected: no. Observed: 1 variant allele.

Literature cited by the submitters: PubMed 10729113 (cited by Labcorp Genetics (formerly Invitae), Labcorp); PubMed 10909849 (cited by Labcorp Genetics (formerly Invitae), Labcorp); PubMed 20507924 (cited by Labcorp Genetics (formerly Invitae), Labcorp); PubMed 25649381 (cited by Labcorp Genetics (formerly Invitae), Labcorp).